The following is an entry in ClinVar:

NM_014112.5(TRPS1):c.23G>A (p.Gly8Glu)

Gene: TRPS1 (transcriptional repressor GATA binding 1; minus strand). Cytogenetic location: 8q23.3.
Variant type: single nucleotide variant.
Coding change: c.23G>A on transcript NM_014112.5 (MANE Select); coding-DNA position 23, G replaced by A.
Protein change: p.Gly8Glu; replaces glycine 8 with glutamic acid.
Molecular consequence: missense variant. On other transcripts: intron variant (2).
Genome position (GRCh38, 1-based): chr8:115,623,615, C>T on the plus strand (G>A on the coding strand, the complement: TRPS1 is on the minus strand). VCF-style: chr8-115623615-C-T. GRCh37 (hg19) VCF-style: chr8-116635842-C-T.
Other names: c.16G>A, p.Asp6Asn (NM_001282903.3); c.-2-3555G>A (NM_001330599.2); c.11-3555G>A (NM_001282902.3); short protein forms D6N, G8E.
Identifiers: ClinVar variation 3754667 (VCV003754667.2).

ClinVar aggregate classification (germline): Uncertain significance (1 of 4 stars; one submission).

Conditions:
Trichorhinophalangeal dysplasia type I (TRPS1). Also called: TRICHORHINOPHALANGEAL SYNDROME, TYPE I; TRPS I. Identifiers: Orphanet 77258, MedGen C0432233, MONDO:0008596, OMIM 190350.
Trichorhinophalangeal syndrome, type III (TRPS3). Also called: SUGIO-KAJII SYNDROME. Identifiers: Orphanet 77258, MedGen C1860823, OMIM 190351, MONDO:0008597.

gnomAD v4.1: 1 of 1,610,832 alleles (0.000062%); highest among the groups gnomAD compares: Non-Finnish European, 0.000085%; no homozygotes.

Submission:

Labcorp Genetics (formerly Invitae), Labcorp
Classification: Uncertain significance for Trichorhinophalangeal syndrome, type III; Trichorhinophalangeal dysplasia type I. Last evaluated: 2024-02-15. Review status: criteria provided, single submitter. Criteria: Invitae Variant Classification Sherloc (09022015). Collection method: clinical testing. Allele origin: germline.
Comment: This sequence change replaces glycine, which is neutral and non-polar, with glutamic acid, which is acidic and polar, at codon 8 of the TRPS1 protein (p.Gly8Glu). This variant is not present in population databases (gnomAD no frequency). This variant has not been reported in the literature in individuals affected with TRPS1-related conditions. An algorithm developed to predict the effect of missense changes on protein structure and function (PolyPhen-2) suggests that this variant is likely to be disruptive. In summary, the available evidence is currently insufficient to determine the role of this variant in disease. Therefore, it has been classified as a Variant of Uncertain Significance.